The following is an entry in ClinVar:

NM_004035.7(ACOX1):c.1582G>A (p.Glu528Lys)

Gene: ACOX1 (acyl-CoA oxidase 1; minus strand). Cytogenetic location: 17q25.1.
Variant type: single nucleotide variant.
Coding change: c.1582G>A on transcript NM_004035.7 (MANE Select); coding-DNA position 1582, G replaced by A.
Protein change: p.Glu528Lys; replaces glutamic acid 528 with lysine.
Molecular consequence: missense variant.
Genome position (GRCh38, 1-based): chr17:75,949,497, C>T on the plus strand (G>A on the coding strand, the complement: ACOX1 is on the minus strand). VCF-style: chr17-75949497-C-T. GRCh37 (hg19) VCF-style: chr17-73945578-C-T.
Other names: c.1468G>A, p.Glu490Lys (NM_001185039.2); c.1582G>A, p.Glu528Lys (NM_007292.6); short protein forms E490K, E528K.
Identifiers: ClinVar variation 2833745 (VCV002833745.3), dbSNP rs778466063, ClinGen allele CA8776730.

ClinVar aggregate classification (germline): Uncertain significance (1 of 4 stars; one submission).

Conditions:
Acyl-CoA oxidase deficiency. Also called: STRAIGHT-CHAIN ACYL-CoA OXIDASE DEFICIENCY; Pseudoneonatal adrenoleukodystrophy; Peroxisomal acyl-CoA oxidase deficiency. Identifiers: Orphanet 2971, MedGen C1849678, MONDO:0009919, OMIM 264470. Disease mechanism: loss of function.

Allele frequency attached by ClinVar (database versions not stated): gnomAD exomes below 0.00001; ExAC 0.00001.
gnomAD v4.1: 1 of 1,614,078 alleles (0.000062%); highest among the groups gnomAD compares: Non-Finnish European, 0.000085%; no homozygotes.

Submission:

Labcorp Genetics (formerly Invitae), Labcorp
Classification: Uncertain significance for Acyl-CoA oxidase deficiency. Last evaluated: 2023-07-12. Review status: criteria provided, single submitter. Criteria: Invitae Variant Classification Sherloc (09022015). Collection method: clinical testing. Allele origin: germline.
Comment: In summary, the available evidence is currently insufficient to determine the role of this variant in disease. Therefore, it has been classified as a Variant of Uncertain Significance. Algorithms developed to predict the effect of sequence changes on RNA splicing suggest that this variant may create or strengthen a splice site. An algorithm developed to predict the effect of missense changes on protein structure and function (PolyPhen-2) suggests that this variant is likely to be tolerated. This variant has not been reported in the literature in individuals affected with ACOX1-related conditions. This variant is present in population databases (rs778466063, gnomAD 0.0009%). This sequence change replaces glutamic acid, which is acidic and polar, with lysine, which is basic and polar, at codon 528 of the ACOX1 protein (p.Glu528Lys).